The following is an entry in ClinVar:

ClinVar aggregate classification (germline): Pathogenic (1 of 4 stars; one submission).

Submission:

Quest Diagnostics Nichols Institute San Juan Capistrano
Classification: Pathogenic. Last evaluated: 2022-02-17. Review status: criteria provided, single submitter. Criteria: ACMG/ClinGen CNV Guidelines, 2019. Collection method: clinical testing. Allele origin: unknown.
Comment: This proximal 15q copy number loss (BP4-BP5) encompasses the region associated with the 15q13.3 microdeletion syndrome (OMIM 612001) and includes the CHRNA7 gene (OMIM 118511), among others. The syndrome is associated with a broad range of clinical features including developmental delay, intellectual disability, autism spectrum disorder, facial dysmorphism, seizures, and neuropsychiatric and neurological disease. Collective penetrance of one or more of these features is high and may approach 80%. A recent report suggests this microdeletion syndrome has a prevalence of 1/5525, which is higher than previously estimated (Gillentine et al., J Hum Genet. 2018 Jul;63(7):795-801., PMID: 29691480). The majority of the deletions are inherited, most often maternally (Lowther et al., Genet Med. 2015 Feb;17(2):149-57. PMID: 25077648; Sharp, et al., Nat Genet. 2008 Mar;40(3):322-8. PMID: 18278044; Hassfurther et al., Mol Syndromol. 2016 Feb;6(5):222-8. PMID: 26997942). Of note: the specific critical genes for every aspect of the 15q13.3 microdeletion phenotype are still under investigation, although CHRNA7 appears to be a top candidate gene for the neuropsychiatric manifestations (Gillentine et al., Biochem Pharmacol. 2015 Oct 15;97(4):352-62. PMID: 26095975; Hoppman-Chaney et al., Clin Genet. 2013 Apr;83(4):345-51., PMID: 22775350). Inheritance from a normal or mildly affected parent has been reported, suggesting incomplete penetrance and variable expressivity. See GeneReviews for additional information and references.

GRCh37/hg19 15q13.2-13.3(chr15:31112919-32446830)x1

Genes: CHRNA7 (cholinergic receptor nicotinic alpha 7 subunit), FAN1 (FANCD2 and FANCI associated nuclease 1; plus strand), KLF13 (KLF transcription factor 13; plus strand), MIR211 (microRNA 211; minus strand), MTMR10 (myotubularin related protein 10; minus strand) and 2 more. Cytogenetic location: 15q13.2-13.3.
Variant type: copy number loss.
Change: copy number 1 (one copy instead of two) of chr15:31,112,919-32,446,830 (1.33 Mb, GRCh37 coordinates, 1-based), cytogenetic band 15q13.2-13.3.
Identifiers: ClinVar variation 564186 (VCV000564186.3).